The following is an entry in ClinVar:

ClinVar aggregate classification (germline): Uncertain significance (1 of 4 stars; one submission).

gnomAD v4.1: 12 of 1,461,140 alleles (0.00082%); highest among the groups gnomAD compares: African/African-American, 0.016%; no homozygotes.

Submission:

Labcorp Genetics (formerly Invitae), Labcorp
Classification: Uncertain significance. Last evaluated: 2024-10-30. Review status: criteria provided, single submitter. Criteria: Invitae Variant Classification Sherloc (09022015). Collection method: clinical testing. Allele origin: germline.
Comment: This sequence change replaces proline, which is neutral and non-polar, with leucine, which is neutral and non-polar, at codon 122 of the LEMD3 protein (p.Pro122Leu). This variant is not present in population databases (gnomAD no frequency). This variant has not been reported in the literature in individuals affected with LEMD3-related conditions. An algorithm developed to predict the effect of missense changes on protein structure and function (PolyPhen-2) suggests that this variant is likely to be tolerated. In summary, the available evidence is currently insufficient to determine the role of this variant in disease. Therefore, it has been classified as a Variant of Uncertain Significance.

NM_014319.5(LEMD3):c.365C>T (p.Pro122Leu)

Genes: LEMD3 (LEM domain containing 3; plus strand), LOC130008224 (ATAC-STARR-seq lymphoblastoid silent region 4630; plus strand). Cytogenetic location: 12q14.3.
Variant type: single nucleotide variant.
Coding change: c.365C>T on transcript NM_014319.5 (MANE Select); coding-DNA position 365, C replaced by T.
Protein change: p.Pro122Leu; replaces proline 122 with leucine.
Molecular consequence: missense variant.
Genome position (GRCh38, 1-based): chr12:65,169,961, C>T. VCF-style: chr12-65169961-C-T. GRCh37 (hg19) VCF-style: chr12-65563741-C-T.
Other names: c.365C>T, p.Pro122Leu (NM_001167614.2); short protein forms P122L.
Identifiers: ClinVar variation 3677868 (VCV003677868.2).
Genomic context (GRCh38, chr12:65,169,961, plus strand): 5'-GGACTCCTGGGGGCCTGTGCCGAATCTCGGCCTCTGGCCCAGAGAGCCTCCTGGGAGGGC[C>T]CGGGGGCGCCTCCGCCGCCCCCGCGGCTGGCAGCAAAGTGCTGCTGGGCTTCAGCTCGGA-3'
Protein context (NP_055134.2, residues 112-132): ASGPESLLGG[Pro122Leu]GGASAAPAAG